The following is an entry in ClinVar:

NM_005359.6(SMAD4):c.592C>G (p.Pro198Ala)

Gene: SMAD4 (SMAD family member 4; plus strand). Cytogenetic location: 18q21.2.
Variant type: single nucleotide variant.
Coding change: c.592C>G on transcript NM_005359.6 (MANE Select); coding-DNA position 592, C replaced by G.
Protein change: p.Pro198Ala; replaces proline 198 with alanine.
Molecular consequence: missense variant. On other transcripts: non-coding transcript variant (2).
Genome position (GRCh38, 1-based): chr18:51,054,918, C>G. VCF-style: chr18-51054918-C-G. GRCh37 (hg19) VCF-style: chr18-48581288-C-G.
Other names: c.592C>G, p.Pro198Ala (NM_001407041.1, NM_001407042.1, NM_001407043.1); short protein forms P198A.
Identifiers: ClinVar variation 2678998 (VCV002678998.4), dbSNP rs2144419101, ClinGen allele CA402461088.

ClinVar aggregate classification (germline): Uncertain significance. Review status: criteria provided, multiple submitters, no conflicts (2 of 4 stars). 3 submissions from 3 submitters: Uncertain significance (3). Last evaluated 2024-03-30.

Conditions:
Familial thoracic aortic aneurysm and aortic dissection (TAAD). Also called: Thoracic aortic aneurysms and dissections. Identifiers: Orphanet 91387, MedGen C4707243, MONDO:0019625.
Hereditary cancer-predisposing syndrome. Also called: Neoplastic Syndromes, Hereditary; Tumor predisposition; Hereditary neoplastic syndrome; Hereditary Cancer Syndrome. Identifiers: Orphanet 140162, MedGen C0027672, MeSH D009386, MONDO:0015356.
Juvenile polyposis/hereditary hemorrhagic telangiectasia syndrome (JPHT). Also called: JP/HHT SYNDROME; JUVENILE POLYPOSIS WITH HEREDITARY HEMORRHAGIC TELANGIECTASIA; POLYPOSIS, GENERALIZED JUVENILE, WITH PULMONARY ARTERIOVENOUS MALFORMATION; TELANGIECTASIA, HEREDITARY HEMORRHAGIC, WITH JUVENILE POLYPOSIS COLI; Juvenile Polyposis Syndrome / Hereditary Hemorrhagic Telangiectasia (JPS/HHT). Identifiers: Orphanet 2929, MedGen C1832942, MONDO:0008278, OMIM 175050.
Juvenile polyposis syndrome (JPS). Identifiers: Orphanet 2929, MedGen C0345893, MONDO:0017380, OMIM 174900.

Submissions (3):

Labcorp Genetics (formerly Invitae), Labcorp
Classification: Uncertain significance for Juvenile polyposis syndrome. Last evaluated: 2024-03-30. Review status: criteria provided, single submitter. Criteria: Invitae Variant Classification Sherloc (09022015). Collection method: clinical testing. Allele origin: germline.
Comment: This sequence change replaces proline, which is neutral and non-polar, with alanine, which is neutral and non-polar, at codon 198 of the SMAD4 protein (p.Pro198Ala). This variant is not present in population databases (gnomAD no frequency). This variant has not been reported in the literature in individuals affected with SMAD4-related conditions. Advanced modeling of protein sequence and biophysical properties (such as structural, functional, and spatial information, amino acid conservation, physicochemical variation, residue mobility, and thermodynamic stability) has been performed at Invitae for this missense variant, however the output from this modeling did not meet the statistical confidence thresholds required to predict the impact of this variant on SMAD4 protein function. In summary, the available evidence is currently insufficient to determine the role of this variant in disease. Therefore, it has been classified as a Variant of Uncertain Significance.

Baylor Genetics
Classification: Uncertain significance for Juvenile polyposis/hereditary hemorrhagic telangiectasia syndrome. Last evaluated: 2023-09-03. Review status: criteria provided, single submitter. Criteria: ACMG Guidelines, 2015. Collection method: clinical testing. Allele origin: unknown.

Ambry Genetics
Classification: Uncertain significance for Hereditary cancer-predisposing syndrome; Familial thoracic aortic aneurysm and aortic dissection. Last evaluated: 2022-11-15. Review status: criteria provided, single submitter. Criteria: Ambry Variant Classification Scheme 2023. Collection method: clinical testing. Allele origin: germline.
Comment: The p.P198A variant (also known as c.592C>G), located in coding exon 4 of the SMAD4 gene, results from a C to G substitution at nucleotide position 592. The proline at codon 198 is replaced by alanine, an amino acid with highly similar properties. This amino acid position is conserved. In addition, the in silico prediction for this alteration is inconclusive. Since supporting evidence is limited at this time, the clinical significance of this alteration remains unclear.